The following is an entry in ClinVar:

ClinVar aggregate classification (germline): Conflicting classifications of pathogenicity. Review status: criteria provided, conflicting classifications (1 of 4 stars). 4 submissions from 4 submitters: Uncertain significance (1); Benign (1); Likely benign (2). Last evaluated 2026-08-01.

Conditions:
MHC class II deficiency. Also called: Bare lymphocyte syndrome 2; BLS, TYPE II. Identifiers: Orphanet 572, MedGen C5447452, MONDO:0008855.

Allele frequency attached by ClinVar (database versions not stated): ESP Exome Variant Server 0.00017; gnomAD exomes 0.00048 and 0.00103; gnomAD 0.00050 and 0.00056; TOPMed 0.00054; 1000 Genomes Project 30x 0.00078; 1000 Genomes Project 0.00120; ExAC 0.00248.

Submissions (4):

CeGaT Center for Human Genetics Tuebingen
Classification: Likely benign. Last evaluated: 2026-08-01. Review status: criteria provided, single submitter. Criteria: CeGaT Center For Human Genetics Tuebingen Variant Classification Criteria Version 2. Collection method: clinical testing. Allele origin: germline. Affected: yes. Observed: 3 variant alleles.
Comment: RFXAP: BP4, BP7

Labcorp Genetics (formerly Invitae), Labcorp
Classification: Benign for MHC class II deficiency. Last evaluated: 2026-01-20. Review status: criteria provided, single submitter. Criteria: Invitae Variant Classification Sherloc (09022015). Collection method: clinical testing. Allele origin: germline.

Blueprint Genetics
Classification: Likely benign. Last evaluated: 2024-11-26. Review status: criteria provided, single submitter. Criteria: ACMG Guidelines, 2015. Collection method: clinical testing. Allele origin: germline.

Illumina Laboratory Services, Illumina
Classification: Uncertain significance for MHC class II deficiency 1. Last evaluated: 2018-01-12. Review status: criteria provided, single submitter. Criteria: ICSL Variant Classification Criteria 13 December 2019. Collection method: clinical testing. Allele origin: germline.

NM_000538.4(RFXAP):c.312C>T (p.Ser104=)

Gene: RFXAP (regulatory factor X associated protein; plus strand). Cytogenetic location: 13q13.3.
Variant type: single nucleotide variant.
Coding change: c.312C>T on transcript NM_000538.4 (MANE Select); coding-DNA position 312, C replaced by T.
Protein change: p.Ser104=; no amino-acid change (serine 104 retained).
Molecular consequence: synonymous variant.
Genome position (GRCh38, 1-based): chr13:36,819,669, C>T. VCF-style: chr13-36819669-C-T. GRCh37 (hg19) VCF-style: chr13-37393806-C-T.
Identifiers: ClinVar variation 311785 (VCV000311785.41), dbSNP rs373233313, ClinGen allele CA6950195.